The following is an entry in ClinVar:

NM_000261.2(MYOC):c.56_72dup (p.Cys25fs)

Gene: MYOC (myocilin; minus strand). Cytogenetic location: 1q24.3.
Variant type: Duplication.
Coding change: c.56_72dup on transcript NM_000261.2 (MANE Select); coding-DNA positions 56 to 72, 17 bases duplicated (AGCTGCTGCTTCTGGCC).
Protein change: p.Cys25fs; shifts the reading frame from cysteine 25.
Molecular consequence: frameshift variant.
Genome position (GRCh38, 1-based): chr1:171,652,540-171,652,556, GGCCAGAAGCAGCAGCT duplicated on the plus strand (AGCTGCTGCTTCTGGCC on the coding strand, the reverse complement: MYOC is on the minus strand); duplicating any 17 consecutive bases within chr1:171,652,540-171,652,558 gives the same sequence; the c. name uses the placement nearest the transcript's 3' end. VCF-style (leftmost placement, unchanged base first): chr1-171652539-A-AGGCCAGAAGCAGCAGCT. GRCh37 (hg19) VCF-style: chr1-171621679-A-AGGCCAGAAGCAGCAGCT.
Other names: NM_000261.2:c.56_72dup; short protein forms C25fs.
Identifiers: ClinVar variation 1723169 (VCV001723169.2), dbSNP rs780647514, ClinGen allele CA1244333.

ClinVar aggregate classification (germline): Uncertain significance (3 of 4 stars; one submission).

Conditions:
Open-angle glaucoma. Identifiers: MedGen C0017612, MONDO:0005338, HP:0012108.

Submission:

ClinGen Glaucoma Variant Curation Expert Panel
Classification: Uncertain significance for Open-angle glaucoma. Last evaluated: 2025-11-12. Review status: reviewed by expert panel. Criteria: ClinGen Glaucoma ACMG Specifications V2.0.0 Approved. Collection method: curation. Allele origin: germline. Inheritance: Autosomal dominant inheritance.
Comment: The c.56_72dup variant in MYOC is predicted to cause a change in the length of the protein due to a duplication of 17 nucleotides which leads to a frameshift and termination of the protein at amino acid 89 (p.Cys25SerfsTer65). Truncation of this protein occurs outside of the conserved olfactomedin domain, which did not meet PM4. PVS1 did not apply, as the disease mechanism for MYOC variants associated with primary open angle glaucoma is not loss-of-function. The highest minor allele frequency of this variant was in the African/African American genetic ancestry group of gnomAD (v4.1.0) = 0.00002669 (2 alleles out of 74,934), which met the ≤ 0.0001 threshold set for PM2_Supporting in a genetic ancestry group of at least 10,000 alleles. There was no computational or functional evidence predicting a damaging or benign impact of this variant on MYOC function. Only 1 proband with primary open angle glaucoma had been reported (PMID: 10196380), not meeting the ≥ 2 probands threshold required to meet PS4_Supporting. In summary, this variant met the criteria to receive a score of 1 and to be classified as a variant of uncertain significance (uncertain significance classification range -1 to 5, adapted from PMID: 32720330) for primary open angle glaucoma based on the ACMG/AMP criteria met, as specified by the ClinGen Glaucoma VCEP (v2.0.0, 5 Dec 2024): PM2_Supporting.